The following is an entry in ClinVar:

NM_015122.3(FCHO1):c.1396T>C (p.Ser466Pro)

Gene: FCHO1 (FCH and mu domain containing endocytic adaptor 1; plus strand). Cytogenetic location: 19p13.11.
Variant type: single nucleotide variant.
Coding change: c.1396T>C on transcript NM_015122.3 (MANE Select); coding-DNA position 1396, T replaced by C.
Protein change: p.Ser466Pro; replaces serine 466 with proline.
Molecular consequence: missense variant. On other transcripts: non-coding transcript variant (14), intron variant (15).
Genome position (GRCh38, 1-based): chr19:17,778,653, T>C. VCF-style: chr19-17778653-T-C. GRCh37 (hg19) VCF-style: chr19-17889462-T-C.
Other names: c.1246T>C, p.Ser416Pro (NM_001384386.1, NM_001161359.2, NM_001384384.1 and 1 more transcripts); c.1396T>C, p.Ser466Pro (NM_001384387.1, NM_001384391.1, NM_001161357.2 and 13 more transcripts); c.1357T>C, p.Ser453Pro (NM_001384388.1, NM_001384389.1, NM_001384405.1); c.1321T>C, p.Ser441Pro (NM_001384390.1); c.1351+425T>C (NM_001384396.1, NM_001384404.1, NM_001384398.1 and 5 more transcripts); c.1201+425T>C (NM_001384406.1); c.1057+2382T>C (NM_001384407.1); c.1352-73T>C (NM_001384393.1, NM_001384394.1, NM_001384392.1 and 1 more transcripts); and 1 more; short protein forms S441P, S453P, S416P, S466P.
Identifiers: ClinVar variation 1394285 (VCV001394285.6), dbSNP rs762920339, ClinGen allele CA9300516.

ClinVar aggregate classification (germline): Uncertain significance (1 of 4 stars; one submission).

Allele frequency attached by ClinVar (database versions not stated): gnomAD exomes 0.00001; ExAC 0.00003.
gnomAD v4.1: 8 of 1,576,698 alleles (0.00051%); highest among the groups gnomAD compares: Non-Finnish European, 0.00069%; no homozygotes.

Submission:

Labcorp Genetics (formerly Invitae), Labcorp
Classification: Uncertain significance. Last evaluated: 2021-11-20. Review status: criteria provided, single submitter. Criteria: Invitae Variant Classification Sherloc (09022015). Collection method: clinical testing. Allele origin: germline.
Comment: In summary, the available evidence is currently insufficient to determine the role of this variant in disease. Therefore, it has been classified as a Variant of Uncertain Significance. Algorithms developed to predict the effect of missense changes on protein structure and function are either unavailable or do not agree on the potential impact of this missense change (SIFT: "Deleterious"; PolyPhen-2: "Probably Damaging"; Align-GVGD: "Class C0"). This variant has not been reported in the literature in individuals affected with FCHO1-related conditions. The frequency data for this variant in the population databases is considered unreliable, as metrics indicate poor data quality at this position in the gnomAD database. This sequence change replaces serine, which is neutral and polar, with proline, which is neutral and non-polar, at codon 466 of the FCHO1 protein (p.Ser466Pro).